The following is an entry in ClinVar:

ClinVar aggregate classification (germline): Uncertain significance (1 of 4 stars; one submission).

Conditions:
Neuroblastoma, susceptibility to, 3. Also called: ALK-Related Neuroblastic Tumor Susceptibility. Identifiers: Orphanet 635, MedGen C2751681, MONDO:0013083, OMIM 613014.

gnomAD v4.1: 1 of 1,614,058 alleles (0.000062%); highest among the groups gnomAD compares: Non-Finnish European, 0.000085%; no homozygotes.

Submission:

Labcorp Genetics (formerly Invitae), Labcorp
Classification: Uncertain significance for Neuroblastoma, susceptibility to, 3. Last evaluated: 2025-06-17. Review status: criteria provided, single submitter. Criteria: Invitae Variant Classification Sherloc (09022015). Collection method: clinical testing. Allele origin: germline.
Comment: This sequence change replaces threonine, which is neutral and polar, with alanine, which is neutral and non-polar, at codon 533 of the ALK protein (p.Thr533Ala). This variant is not present in population databases (gnomAD no frequency). This variant has not been reported in the literature in individuals affected with ALK-related conditions. ClinVar contains an entry for this variant (Variation ID: 3642207). An algorithm developed to predict the effect of missense changes on protein structure and function outputs the following: PolyPhen-2: "Benign". The alanine amino acid residue is found in multiple mammalian species, which suggests that this missense change does not adversely affect protein function. In summary, the available evidence is currently insufficient to determine the role of this variant in disease. Therefore, it has been classified as a Variant of Uncertain Significance.

NM_004304.5(ALK):c.1597A>G (p.Thr533Ala)

Gene: ALK (ALK receptor tyrosine kinase; minus strand). Cytogenetic location: 2p23.2.
Variant type: single nucleotide variant.
Coding change: c.1597A>G on transcript NM_004304.5 (MANE Select); coding-DNA position 1597, A replaced by G.
Protein change: p.Thr533Ala; replaces threonine 533 with alanine.
Molecular consequence: missense variant.
Genome position (GRCh38, 1-based): chr2:29,318,354, T>C on the plus strand (A>G on the coding strand, the complement: ALK is on the minus strand). VCF-style: chr2-29318354-T-C. GRCh37 (hg19) VCF-style: chr2-29541220-T-C.
Other names: short protein forms T533A.
Identifiers: ClinVar variation 3642207 (VCV003642207.2).